The following is an entry in ClinVar:

NM_000360.4(TH):c.16G>A (p.Ala6Thr)

Gene: TH (tyrosine hydroxylase; minus strand). Cytogenetic location: 11p15.5.
Variant type: single nucleotide variant.
Coding change: c.16G>A on transcript NM_000360.4 (MANE Select); coding-DNA position 16, G replaced by A.
Protein change: p.Ala6Thr; replaces alanine 6 with threonine.
Molecular consequence: missense variant.
Genome position (GRCh38, 1-based): chr11:2,171,771, C>T on the plus strand (G>A on the coding strand, the complement: TH is on the minus strand). VCF-style: chr11-2171771-C-T. GRCh37 (hg19) VCF-style: chr11-2193001-C-T.
Other names: p.Ala6Thr; c.16G>A, p.Ala6Thr (NM_199292.3, NM_199293.3); short protein forms A6T.
Identifiers: ClinVar variation 242252 (VCV000242252.65), dbSNP rs74555599, ClinGen allele CA5818890.

ClinVar aggregate classification (germline): Benign/Likely benign. Review status: criteria provided, multiple submitters, no conflicts (2 of 4 stars). 12 submissions from 12 submitters: Benign (8); Likely benign (1). 3 of the submissions do not count toward it. Last evaluated 2026-08-01.

Conditions:
TH-related disorder. Also called: TH-related condition.
TH-deficient dopa-responsive dystonia. Also called: DYT-TH; Segawa syndrome, autosomal recessive; Tyrosine Hydroxylase-Deficient Dopa-Responsive Dystonia. Identifiers: Orphanet 101150, MedGen C2673535, MONDO:0011551, OMIM 605407.

Allele frequency attached by ClinVar (database versions not stated): 1000 Genomes Project 30x 0.00172; 1000 Genomes Project 0.00180; TOPMed 0.00316; gnomAD 0.00402 and 0.00462; ESP Exome Variant Server 0.00454.
gnomAD v4.1: 7,810 of 1,612,174 alleles (0.48%); highest among the groups gnomAD compares: Non-Finnish European, 0.55%; 30 homozygotes.

Submissions (12):

CeGaT Center for Human Genetics Tuebingen
Classification: Likely benign. Last evaluated: 2026-08-01. Review status: criteria provided, single submitter. Criteria: CeGaT Center For Human Genetics Tuebingen Variant Classification Criteria Version 2. Collection method: clinical testing. Allele origin: germline. Affected: yes. Observed: 31 variant alleles.
Comment: TH: BS2

Labcorp Genetics (formerly Invitae), Labcorp
Classification: Benign for TH-deficient dopa-responsive dystonia. Last evaluated: 2026-02-04. Review status: criteria provided, single submitter. Criteria: Invitae Variant Classification Sherloc (09022015). Collection method: clinical testing. Allele origin: germline.

Athena Diagnostics
Classification: Benign. Last evaluated: 2024-08-20. Review status: criteria provided, single submitter. Criteria: Athena Diagnostics Criteria. Collection method: clinical testing. Allele origin: unknown.

Mayo Clinic Laboratories, Mayo Clinic
Classification: Benign. Last evaluated: 2023-11-24. Review status: criteria provided, single submitter. Criteria: ACMG Guidelines, 2015. Collection method: clinical testing. Allele origin: germline. Observed: 8 variant alleles.
Comment: BS1, BS2

Women's Health and Genetics/Laboratory Corporation of America, LabCorp
Classification: Benign. Last evaluated: 2022-02-18. Review status: criteria provided, single submitter. Criteria: LabCorp Variant Classification Summary - May 2015. Collection method: clinical testing. Allele origin: germline.
Comment: Variant summary: TH c.16G>A (p.Ala6Thr) results in a non-conservative amino acid change in the encoded protein sequence. Three of five in-silico tools predict a benign effect of the variant on protein function. The variant allele was found at a frequency of 0.0042 in 246498 control chromosomes in the gnomAD database, including 7 homozygotes. The observed variant frequency is approximately 3.8 fold of the estimated maximal expected allele frequency for a pathogenic variant in TH causing Segawa Syndrome, Autosomal Recessive phenotype (0.0011), strongly suggesting that the variant is benign. Seven clinical diagnostic laboratories have submitted clinical-significance assessments for this variant to ClinVar after 2014 and a predominant consensus as benign/likely benign. Based on the evidence outlined above, the variant was classified as benign.

GeneDx
Classification: Benign. Last evaluated: 2019-07-24. Review status: criteria provided, single submitter. Criteria: GeneDx Variant Classification Process June 2021. Collection method: clinical testing. Allele origin: germline. Affected: yes.

Illumina Laboratory Services, Illumina
Classification: Benign for TH-deficient dopa-responsive dystonia. Last evaluated: 2017-04-27. Review status: criteria provided, single submitter. Criteria: ICSL Variant Classification Criteria 13 December 2019. Collection method: clinical testing. Allele origin: germline.
Comment: This variant was observed as part of a predisposition screen in an ostensibly healthy population. A literature search was performed for the gene, cDNA change, and amino acid change (where applicable). Publications were found based on this search. The evidence from the literature, in combination with allele frequency data from public databases where available, was sufficient to rule this variant out of causing disease. Therefore, this variant is classified as benign.

Clinical Genetics DNA and cytogenetics Diagnostics Lab, Erasmus MC, Erasmus Medical Center
Classification: Benign for TH-deficient dopa-responsive dystonia. Last evaluated: 2016-02-05. Review status: criteria provided, single submitter. Criteria: ACGS Guidelines, 2013. Collection method: clinical testing. Allele origin: germline. Affected: yes. Study: VKGL Data-share Consensus.

Breakthrough Genomics
Classification: Benign. Review status: criteria provided, single submitter. Criteria: ACMG Guidelines, 2015. Collection method: not provided. Allele origin: germline. Inheritance: Autosomal recessive inheritance. Affected: yes.

PreventionGenetics, part of Exact Sciences
Classification: Benign for TH-related condition. Last evaluated: 2020-05-22. Review status: no assertion criteria provided. Collection method: clinical testing. Allele origin: germline. Not counted in ClinVar's aggregate classification.
Comment: This variant is classified as benign based on ACMG/AMP sequence variant interpretation guidelines (Richards et al. 2015 PMID: 25741868, with internal and published modifications).

Natera, Inc.
Classification: Benign for Autosomal recessive Segawa syndrome. Last evaluated: 2020-04-12. Review status: no assertion criteria provided. Collection method: clinical testing. Allele origin: germline. Not counted in ClinVar's aggregate classification.

Diagnostic Laboratory, Department of Genetics, University Medical Center Groningen
Classification: Likely benign for TH-deficient dopa-responsive dystonia. Review status: no assertion criteria provided. Collection method: clinical testing. Allele origin: germline. Affected: yes. Study: VKGL Data-share Consensus. Not counted in ClinVar's aggregate classification.

Literature cited by the submitters: PubMed 32395404 (cited by Athena Diagnostics); PubMed 16643317 (cited by Athena Diagnostics and Illumina Laboratory Services, Illumina); PubMed 19120120 (cited by Athena Diagnostics); PubMed 17698732 (cited by Athena Diagnostics); PubMed 22583432 (cited by Illumina Laboratory Services, Illumina).